The following is an entry in ClinVar:

NM_206933.4(USH2A):c.6332C>A (p.Ala2111Glu)

Gene: USH2A (usherin; minus strand). Cytogenetic location: 1q41.
Variant type: single nucleotide variant.
Coding change: c.6332C>A on transcript NM_206933.4 (MANE Select); coding-DNA position 6332, C replaced by A.
Protein change: p.Ala2111Glu; replaces alanine 2111 with glutamic acid.
Molecular consequence: missense variant.
Genome position (GRCh38, 1-based): chr1:216,000,556, G>T on the plus strand (C>A on the coding strand, the complement: USH2A is on the minus strand). VCF-style: chr1-216000556-G-T. GRCh37 (hg19) VCF-style: chr1-216173898-G-T.
Other names: c.6332C>A (NM_206933.2); short protein forms A2111E.
Identifiers: ClinVar variation 1441284 (VCV001441284.14), dbSNP rs373761608, ClinGen allele CA37479862.
Genomic context (GRCh38, chr1:216,000,556, plus strand): 5'-CTGTTTGTACAGCCCACATGTGTGCATGCACTTAGTAGAAACTGGTGGGGTGTAAATACT[G>T]CTAAATCTAGGGGATAGGGAGAAACAAGAATTTACTCAGCATTATACTTCTTATTGAGGA-3'
Protein context (NP_996816.3, residues 2101-2121): SEENYIVTDL[Ala2111Glu]VFTPHQFLLS

ClinVar aggregate classification (germline): Uncertain significance. Review status: criteria provided, multiple submitters, no conflicts (2 of 4 stars). 4 submissions from 4 submitters: Uncertain significance (4). Last evaluated 2025-11-26.

Conditions:
Inborn genetic diseases. Identifiers: MedGen C0950123, MeSH D030342.

Allele frequency attached by ClinVar (database versions not stated): gnomAD exomes below 0.00001; gnomAD 0.00001; TOPMed 0.00002; ESP Exome Variant Server 0.00008.
gnomAD v4.1: 4 of 1,613,280 alleles (0.00025%); highest among the groups gnomAD compares: Non-Finnish European, 0.00034%; no homozygotes.

Submissions (4):

Ambry Genetics
Classification: Uncertain significance for Inborn genetic diseases. Last evaluated: 2025-11-26. Review status: criteria provided, single submitter. Criteria: Ambry Variant Classification Scheme 2023. Collection method: clinical testing. Allele origin: germline.

CeGaT Center for Human Genetics Tuebingen
Classification: Uncertain significance. Last evaluated: 2025-06-01. Review status: criteria provided, single submitter. Criteria: CeGaT Center For Human Genetics Tuebingen Variant Classification Criteria Version 2. Collection method: clinical testing. Allele origin: germline. Affected: yes. Observed: 1 variant allele.
Comment: USH2A: PM2, BP4

Labcorp Genetics (formerly Invitae), Labcorp
Classification: Uncertain significance. Last evaluated: 2021-09-24. Review status: criteria provided, single submitter. Criteria: Invitae Variant Classification Sherloc (09022015). Collection method: clinical testing. Allele origin: germline.
Comment: This sequence change replaces alanine with glutamic acid at codon 2111 of the USH2A protein (p.Ala2111Glu). The alanine residue is highly conserved and there is a moderate physicochemical difference between alanine and glutamic acid. This variant is not present in population databases (ExAC no frequency). This variant has not been reported in the literature in individuals with USH2A-related conditions. Algorithms developed to predict the effect of missense changes on protein structure and function (SIFT, PolyPhen-2, Align-GVGD) all suggest that this variant is likely to be tolerated, but these predictions have not been confirmed by published functional studies and their clinical significance is uncertain. In summary, the available evidence is currently insufficient to determine the role of this variant in disease. Therefore, it has been classified as a Variant of Uncertain Significance.

Blueprint Genetics
Classification: Uncertain significance. Last evaluated: 2018-02-01. Review status: criteria provided, single submitter. Criteria: ACMG Guidelines, 2015. Collection method: clinical testing. Allele origin: germline.